The following is an entry in ClinVar:

NM_001354604.2(MITF):c.1541G>A (p.Arg514Lys)

Gene: MITF (melanocyte inducing transcription factor; plus strand). Cytogenetic location: 3p13.
Variant type: single nucleotide variant.
Coding change: c.1541G>A on transcript NM_001354604.2 (MANE Select); coding-DNA position 1541, G replaced by A.
Protein change: p.Arg514Lys; replaces arginine 514 with lysine.
Molecular consequence: missense variant.
Genome position (GRCh38, 1-based): chr3:69,965,208, G>A. VCF-style: chr3-69965208-G-A. GRCh37 (hg19) VCF-style: chr3-70014359-G-A.
Other names: c.1220G>A, p.Arg407Lys (NM_000248.4); c.1367G>A, p.Arg456Lys (NM_001184967.2, NM_001354608.2); c.1538G>A, p.Arg513Lys (NM_001354605.2); c.1520G>A, p.Arg507Lys (NM_001354606.2, NM_006722.3); c.1472G>A, p.Arg491Lys (NM_001354607.2); c.1202G>A, p.Arg401Lys (NM_198158.3); c.1523G>A, p.Arg508Lys (NM_198159.3); c.1475G>A, p.Arg492Lys (NM_198177.3); and 1 more; short protein forms R456K, R513K, R345K, R407K, R492K, R491K, R507K, R401K.
Identifiers: ClinVar variation 2097262 (VCV002097262.5), dbSNP rs2107553612, ClinGen allele CA353560047.

ClinVar aggregate classification (germline): Uncertain significance. Review status: criteria provided, multiple submitters, no conflicts (2 of 4 stars). 2 submissions from 2 submitters: Uncertain significance (2). Last evaluated 2024-03-06.

Conditions:
Tietz syndrome (TADS). Also called: ALBINISM-DEAFNESS OF TIETZ; HYPOPIGMENTATION/DEAFNESS OF TIETZ; TIETZ ALBINISM-DEAFNESS SYNDROME. Identifiers: Orphanet 42665, MedGen C0391816, MONDO:0007077, OMIM 103500.
Waardenburg syndrome type 2A (WS2A). Also called: WAARDENBURG SYNDROME WITHOUT DYSTOPIA CANTHORUM. Identifiers: Orphanet 3440, MedGen C1860339, MONDO:0008671, OMIM 193510.
Melanoma, cutaneous malignant, susceptibility to, 8. Also called: MELANOMA AND RENAL CELL CARCINOMA, SUSCEPTIBILITY TO; Cutaneous malignant melanoma 8. Identifiers: Orphanet 293822, MedGen C3152204, MONDO:0013759, OMIM 614456.

Submissions (2):

GeneDx
Classification: Uncertain significance. Last evaluated: 2024-03-06. Review status: criteria provided, single submitter. Criteria: GeneDx Variant Classification Process June 2021. Collection method: clinical testing. Allele origin: germline. Affected: yes.
Comment: Not observed at significant frequency in large population cohorts (gnomAD); In silico analysis supports that this missense variant does not alter protein structure/function; Has not been previously published as pathogenic or benign to our knowledge

Labcorp Genetics (formerly Invitae), Labcorp
Classification: Uncertain significance for Melanoma, cutaneous malignant, susceptibility to, 8; Waardenburg syndrome type 2A; Tietz syndrome. Last evaluated: 2022-02-12. Review status: criteria provided, single submitter. Criteria: Invitae Variant Classification Sherloc (09022015). Collection method: clinical testing. Allele origin: germline.
Comment: This variant is not present in population databases (gnomAD no frequency). This variant has not been reported in the literature in individuals affected with MITF-related conditions. Algorithms developed to predict the effect of missense changes on protein structure and function are either unavailable or do not agree on the potential impact of this missense change (SIFT: "Tolerated"; PolyPhen-2: "Probably Damaging"; Align-GVGD: "Class C0"). In summary, the available evidence is currently insufficient to determine the role of this variant in disease. Therefore, it has been classified as a Variant of Uncertain Significance. This sequence change replaces arginine, which is basic and polar, with lysine, which is basic and polar, at codon 407 of the MITF protein (p.Arg407Lys).